The following is an entry in ClinVar:

NM_020297.4(ABCC9):c.2182A>C (p.Lys728Gln)

Gene: ABCC9 (ATP binding cassette subfamily C member 9; minus strand). Cytogenetic location: 12p12.1.
Variant type: single nucleotide variant.
Coding change: c.2182A>C on transcript NM_020297.4 (MANE Select); coding-DNA position 2182, A replaced by C.
Protein change: p.Lys728Gln; replaces lysine 728 with glutamine.
Molecular consequence: missense variant.
Genome position (GRCh38, 1-based): chr12:21,872,641, T>G on the plus strand (A>C on the coding strand, the complement: ABCC9 is on the minus strand). VCF-style: chr12-21872641-T-G. GRCh37 (hg19) VCF-style: chr12-22025575-T-G.
Other names: c.2182A>C, p.Lys728Gln (NM_001377273.1, NM_005691.4); c.1318A>C, p.Lys440Gln (NM_001377274.1); short protein forms K440Q, K728Q.
Identifiers: ClinVar variation 3718617 (VCV003718617.2).
Genomic context (GRCh38, chr12:21,872,641, plus strand): 5'-AGATGTATGACATAGCAATGGAAGCCAACTAAAAATATACATACTTGCTCCAGTGAACTT[T>G]TCCTTCCAATGTCTGCATCTCACCGAGGATGGCAAGGAGAAGAGAGGACTTCCCACATCC-3'
Protein context (NP_064693.2, residues 718-738): ILGEMQTLEG[Lys728Gln]VHWSNVNESE

ClinVar aggregate classification (germline): Uncertain significance (1 of 4 stars; one submission).

Conditions:
Dilated cardiomyopathy 1O (CMD1O). Also called: CARDIOMYOPATHY, DILATED, WITH VENTRICULAR TACHYCARDIA. Identifiers: Orphanet 154, MedGen C1837839, MONDO:0012062, OMIM 608569.

Submission:

Labcorp Genetics (formerly Invitae), Labcorp
Classification: Uncertain significance for Dilated cardiomyopathy 1O. Last evaluated: 2025-03-31. Review status: criteria provided, single submitter. Criteria: Invitae Variant Classification Sherloc (09022015). Collection method: clinical testing. Allele origin: germline.
Comment: This sequence change replaces lysine, which is basic and polar, with glutamine, which is neutral and polar, at codon 728 of the ABCC9 protein (p.Lys728Gln). This variant is not present in population databases (gnomAD no frequency). This variant has not been reported in the literature in individuals affected with ABCC9-related conditions. Invitae Evidence Modeling of protein sequence and biophysical properties (such as structural, functional, and spatial information, amino acid conservation, physicochemical variation, residue mobility, and thermodynamic stability) indicates that this missense variant is not expected to disrupt ABCC9 protein function with a negative predictive value of 95%. In summary, the available evidence is currently insufficient to determine the role of this variant in disease. Therefore, it has been classified as a Variant of Uncertain Significance.